The following is an entry in ClinVar:

ClinVar aggregate classification (germline): Benign/Likely benign. Review status: criteria provided, multiple submitters, no conflicts (2 of 4 stars). 5 submissions from 5 submitters: Benign (1); Likely benign (2). 2 of the submissions do not count toward it. Last evaluated 2026-03-05.

Conditions:
PKD1-related disorder. Also called: PKD1-related condition.
Polycystic kidney disease. Also called: Kidney, Polycystic; Polycystic kidney dysplasia. Identifiers: MedGen C0022680, MeSH D007690, MONDO:0020642, HP:0000113.

Allele frequency attached by ClinVar (database versions not stated): gnomAD 0.00001 and 0.00016; TOPMed 0.00004; 1000 Genomes Project 30x 0.00016; gnomAD exomes 0.00048 and 0.00096; ExAC 0.00119.
gnomAD v4.1: 709 of 1,596,940 alleles (0.044%); highest among the groups gnomAD compares: South Asian, 0.75%; 14 homozygotes.

Submissions (5):

Women's Health and Genetics/Laboratory Corporation of America, LabCorp
Classification: Benign. Last evaluated: 2026-03-05. Review status: criteria provided, single submitter. Criteria: LabCorp Variant Classification Summary - May 2015. Collection method: clinical testing. Allele origin: germline.
Comment: Variant summary: PKD1 c.7810G>A (p.Asp2604Asn) results in a conservative amino acid change in the encoded protein sequence. Algorithms developed to predict the effect of missense changes on protein structure and function are either unavailable or do not agree on the potential impact of this missense change. The variant allele was found at a frequency of 0.00096 in 232448 control chromosomes, predominantly at a frequency of 0.0073 within the South Asian subpopulation in the gnomAD database, including 14 homozygotes (in gnomAD v4). The observed variant frequency within South Asian control individuals in the gnomAD database exceeds the estimated maximal expected allele frequency for disease-causing variants in PKD1. Further, the presence of so many homozygous controls in the gnomAD database is not consistent with the early onset/severe presentation expected for individuals with biallelic PKD1-related conditions. c.7810G>A has been observed in individual(s) affected with Polycystic Kidney Disease without strong evidence for causality (Pandita_2019, Raj_2020) and in two families, the variant did not segregate with disease (Phakdeekitcharoen_2000, Al-Hamed_2019). These report(s) do not provide unequivocal conclusions about association of the variant with PKD1-related conditions. To our knowledge, no experimental evidence demonstrating an impact on protein function has been reported. The following publications have been ascertained in the context of this evaluation (PMID: 31079206, 30816285, 11012875, 32823016, 39188533, 27050151). ClinVar contains an entry for this variant (Variation ID: 448010). Based on the evidence outlined above, the variant was classified as benign.

CeGaT Center for Human Genetics Tuebingen
Classification: Likely benign. Last evaluated: 2025-08-01. Review status: criteria provided, single submitter. Criteria: CeGaT Center For Human Genetics Tuebingen Variant Classification Criteria Version 2. Collection method: clinical testing. Allele origin: germline. Affected: yes. Observed: 2 variant alleles.
Comment: PKD1: BS2

Athena Diagnostics
Classification: Likely benign. Last evaluated: 2016-08-31. Review status: criteria provided, single submitter. Criteria: Athena Diagnostics Criteria. Collection method: clinical testing. Allele origin: germline.

PreventionGenetics, part of Exact Sciences
Classification: Benign for PKD1-related condition. Last evaluated: 2020-09-03. Review status: no assertion criteria provided. Collection method: clinical testing. Allele origin: germline. Not counted in ClinVar's aggregate classification.
Comment: This variant is classified as benign based on ACMG/AMP sequence variant interpretation guidelines (Richards et al. 2015 PMID: 25741868, with internal and published modifications).

Department of Pathology and Laboratory Medicine, Sinai Health System
Classification: Likely benign for Polycystic Kidney disease. Review status: no assertion criteria provided. Collection method: clinical testing. Allele origin: unknown. Affected: yes. Study: The Canadian Open Genetics Repository (COGR). Not counted in ClinVar's aggregate classification.
Comment: The PKD1 p.Asp2604Asn variant was identified in 1 of 176 proband chromosomes (frequency: 0.00568) from individuals or families with ADPKD and was not identified in 100 control chromosomes from healthy individuals (Phakdeekitcharoen_2000_PMID: 11012875). Phakdeekitcharoen et al (2000) identified the p.Asp2604Asn variant in a family with ADPKD. The p.Asp2604Asn variant did not segregate with disease in the family. A second variant, PKD1 p.Arg2408Cys, was identified in the family and did segregate with disease (Phakdeekitcharoen_2000_PMID: 11012875). The variant was identified in dbSNP (ID: rs778565182). The variant was identified in ClinVar (classified as likely benign by Athena Diagnostics). The p.Asp2604Asn variant was identified in control databases in 224 of 232448 chromosomes (5 homozygous) at a frequency of 0.0009637, and was observed at the highest frequency in the South Asian population in 222 of 30320 chromosomes (freq: 0.007322) (Genome Aggregation Database March 6, 2019, v2.1.1). The p.Asp2604 residue is conserved in mammals and computational analyses (PolyPhen-2, SIFT, AlignGVGD, BLOSUM, MutationTaster) provide inconsistent predictions regarding the impact to the protein; this information is not very predictive of pathogenicity. The variant occurs outside of the splicing consensus sequence and 1 of 5 in silico or computational prediction software programs (SpliceSiteFinder, MaxEntScan, NNSPLICE, GeneSplicer, HumanSpliceFinder) predict a greater than 10% difference in splicing; this is not very predictive of pathogenicity. In summary, based on the above information the clinical significance of this variant cannot be determined with certainty at this time although we would lean towards a more benign role for this variant. This variant is classified as likely benign.

Literature cited by the submitters: PubMed 30816285 (cited by Women's Health and Genetics/Laboratory Corporation of America, LabCorp); PubMed 31079206 (cited by Women's Health and Genetics/Laboratory Corporation of America, LabCorp); PubMed 32823016 (cited by Women's Health and Genetics/Laboratory Corporation of America, LabCorp); PubMed 11012875 (cited by Women's Health and Genetics/Laboratory Corporation of America, LabCorp and Athena Diagnostics); PubMed 39188533 (cited by Women's Health and Genetics/Laboratory Corporation of America, LabCorp); PubMed 27050151 (cited by Women's Health and Genetics/Laboratory Corporation of America, LabCorp).

NM_001009944.3(PKD1):c.7810G>A (p.Asp2604Asn)

Gene: PKD1 (polycystin 1, transient receptor potential channel interacting; minus strand). Cytogenetic location: 16p13.3.
Variant type: single nucleotide variant.
Coding change: c.7810G>A on transcript NM_001009944.3 (MANE Select); coding-DNA position 7810, G replaced by A.
Protein change: p.Asp2604Asn; replaces aspartic acid 2604 with asparagine.
Molecular consequence: missense variant.
Genome position (GRCh38, 1-based): chr16:2,105,918, C>T on the plus strand (G>A on the coding strand, the complement: PKD1 is on the minus strand). VCF-style: chr16-2105918-C-T. GRCh37 (hg19) VCF-style: chr16-2155919-C-T.
Other names: c.7810G>A, p.Asp2604Asn (NM_000296.4); c.7810G>A (NM_001009944.2); short protein forms D2604N.
Identifiers: ClinVar variation 448010 (VCV000448010.15), dbSNP rs778565182, ClinGen allele CA7830901.